The following is an entry in ClinVar:

NM_021999.5(ITM2B):c.662G>A (p.Arg221Gln)

Gene: ITM2B (integral membrane protein 2B; plus strand). Cytogenetic location: 13q14.2.
Variant type: single nucleotide variant.
Coding change: c.662G>A on transcript NM_021999.5 (MANE Select); coding-DNA position 662, G replaced by A.
Protein change: p.Arg221Gln; replaces arginine 221 with glutamine.
Molecular consequence: missense variant.
Genome position (GRCh38, 1-based): chr13:48,258,894, G>A. VCF-style: chr13-48258894-G-A. GRCh37 (hg19) VCF-style: chr13-48833030-G-A.
Other names: short protein forms R221Q.
Identifiers: ClinVar variation 2191571 (VCV002191571.5), dbSNP rs199884227, ClinGen allele CA249837319.
Genomic context (GRCh38, chr13:48,258,894, plus strand): 5'-AGCACATGGTTATTACTGATCGCATTGAAAACATTGATCACCTGGGTTTCTTTATTTATC[G>A]ACTGTGTCATGACAAGGAAACTTACAAACTGCAACGCAGAGAAACTATTAAAGGTAATAC-3'
Protein context (NP_068839.1, residues 211-231): NIDHLGFFIY[Arg221Gln]LCHDKETYKL

ClinVar aggregate classification (germline): Uncertain significance. Review status: criteria provided, multiple submitters, no conflicts (2 of 4 stars). 2 submissions from 2 submitters: Uncertain significance (2). Last evaluated 2023-02-09.

Allele frequency attached by ClinVar (database versions not stated): gnomAD exomes below 0.00001; gnomAD 0.00001; TOPMed 0.00001.
gnomAD v4.1: 7 of 1,612,908 alleles (0.00043%); highest among the groups gnomAD compares: Middle Eastern, 0.016%; no homozygotes.

Submissions (2):

Labcorp Genetics (formerly Invitae), Labcorp
Classification: Uncertain significance. Last evaluated: 2023-02-09. Review status: criteria provided, single submitter. Criteria: Invitae Variant Classification Sherloc (09022015). Collection method: clinical testing. Allele origin: germline.
Comment: This variant has not been reported in the literature in individuals affected with ITM2B-related conditions. The frequency data for this variant in the population databases is considered unreliable, as metrics indicate poor data quality at this position in the gnomAD database. This sequence change replaces arginine, which is basic and polar, with glutamine, which is neutral and polar, at codon 221 of the ITM2B protein (p.Arg221Gln). In summary, the available evidence is currently insufficient to determine the role of this variant in disease. Therefore, it has been classified as a Variant of Uncertain Significance. Advanced modeling of protein sequence and biophysical properties (such as structural, functional, and spatial information, amino acid conservation, physicochemical variation, residue mobility, and thermodynamic stability) performed at Invitae indicates that this missense variant is not expected to disrupt ITM2B protein function.

Blueprint Genetics
Classification: Uncertain significance. Last evaluated: 2021-05-03. Review status: criteria provided, single submitter. Criteria: ACMG Guidelines, 2015. Collection method: clinical testing. Allele origin: germline.